The following is an entry in ClinVar:

NM_004821.3(HAND1):c.67C>T (p.Leu23Phe)

Gene: HAND1 (heart and neural crest derivatives expressed 1; minus strand). Cytogenetic location: 5q33.2.
Variant type: single nucleotide variant.
Coding change: c.67C>T on transcript NM_004821.3 (MANE Select); coding-DNA position 67, C replaced by T.
Protein change: p.Leu23Phe; replaces leucine 23 with phenylalanine.
Molecular consequence: missense variant.
Genome position (GRCh38, 1-based): chr5:154,477,942, G>A on the plus strand (C>T on the coding strand, the complement: HAND1 is on the minus strand). VCF-style: chr5-154477942-G-A. GRCh37 (hg19) VCF-style: chr5-153857502-G-A.
Other names: short protein forms L23F.
Identifiers: ClinVar variation 1449268 (VCV001449268.8), dbSNP rs1389429025, ClinGen allele CA361923874.

ClinVar aggregate classification (germline): Uncertain significance (1 of 4 stars; one submission).

Conditions:
Hypoplastic left heart syndrome. Also called: Hypoplastic left ventricle; Hypoplastic left heart. Identifiers: Orphanet 2248, MedGen C0152101, MONDO:0004933, HP:0004383.

Submission:

Labcorp Genetics (formerly Invitae), Labcorp
Classification: Uncertain significance for Hypoplastic left heart syndrome. Last evaluated: 2021-07-26. Review status: criteria provided, single submitter. Criteria: Invitae Variant Classification Sherloc (09022015). Collection method: clinical testing. Allele origin: germline.
Comment: In summary, the available evidence is currently insufficient to determine the role of this variant in disease. Therefore, it has been classified as a Variant of Uncertain Significance. Algorithms developed to predict the effect of missense changes on protein structure and function are either unavailable or do not agree on the potential impact of this missense change (SIFT: "Deleterious"; PolyPhen-2: "Possibly Damaging"; Align-GVGD: "Class C0"). This sequence change replaces leucine with phenylalanine at codon 23 of the HAND1 protein (p.Leu23Phe). The leucine residue is moderately conserved and there is a small physicochemical difference between leucine and phenylalanine. This variant is not present in population databases (ExAC no frequency). This variant has not been reported in the literature in individuals affected with HAND1-related conditions.